The following is an entry in ClinVar:

NM_005068.3(SIM1):c.88C>G (p.Pro30Ala)

Gene: SIM1 (SIM bHLH transcription factor 1; minus strand). Cytogenetic location: 6q16.3.
Variant type: single nucleotide variant.
Coding change: c.88C>G on transcript NM_005068.3 (MANE Select); coding-DNA position 88, C replaced by G.
Protein change: p.Pro30Ala; replaces proline 30 with alanine.
Molecular consequence: missense variant.
Genome position (GRCh38, 1-based): chr6:100,463,381, G>C on the plus strand (C>G on the coding strand, the complement: SIM1 is on the minus strand). VCF-style: chr6-100463381-G-C. GRCh37 (hg19) VCF-style: chr6-100911257-G-C.
Other names: c.88C>G, p.Pro30Ala (NM_001374769.1); short protein forms P30A.
Identifiers: ClinVar variation 2636198 (VCV002636198.1), dbSNP rs2482182079, ClinGen allele CA365130631.

ClinVar aggregate classification (germline): Uncertain significance (1 of 4 stars; one submission).

Conditions:
SIM1-related disorder. Also called: SIM1-related disorders; SIM1-related condition.

Submission:

PreventionGenetics, part of Exact Sciences
Classification: Uncertain significance for SIM1-related condition. Last evaluated: 2022-08-31. Review status: criteria provided, single submitter. Criteria: ACMG Guidelines, 2015. Collection method: clinical testing. Allele origin: germline.
Comment: The SIM1 c.88C>G variant is predicted to result in the amino acid substitution p.Pro30Ala. To our knowledge, this variant has not been reported in the literature or in a large population database, indicating this variant is rare. At this time, the clinical significance of this variant is uncertain due to the absence of conclusive functional and genetic evidence.